The following is an entry in ClinVar:

ClinVar aggregate classification (germline): Uncertain significance (1 of 4 stars; one submission).

Allele frequency attached by ClinVar (database versions not stated): gnomAD exomes 0.00001; TOPMed 0.00012.
gnomAD v4.1: 18 of 1,354,782 alleles (0.0013%); highest among the groups gnomAD compares: African/African-American, 0.0077%; no homozygotes.

Submission:

Ambry Genetics
Classification: Uncertain significance. Last evaluated: 2024-11-26. Review status: criteria provided, single submitter. Criteria: Ambry Variant Classification Scheme 2023. Collection method: clinical testing. Allele origin: germline.
Comment: The p.E117K variant (also known as c.349G>A), located in coding exon 1 of the WNK2 gene, results from a G to A substitution at nucleotide position 349. The glutamic acid at codon 117 is replaced by lysine, an amino acid with similar properties. This amino acid position is conserved. In addition, this alteration is predicted to be tolerated by in silico analysis. Based on the available evidence, the clinical significance of this variant remains unclear.

NM_006648.4(WNK2):c.349G>A (p.Glu117Lys)

Gene: WNK2 (WNK lysine deficient protein kinase 2; plus strand). Cytogenetic location: 9q22.31.
Variant type: single nucleotide variant.
Coding change: c.349G>A on transcript NM_006648.4 (MANE Select); coding-DNA position 349, G replaced by A.
Protein change: p.Glu117Lys; replaces glutamic acid 117 with lysine.
Molecular consequence: missense variant.
Genome position (GRCh38, 1-based): chr9:93,185,278, G>A. VCF-style: chr9-93185278-G-A. GRCh37 (hg19) VCF-style: chr9-95947560-G-A.
Other names: c.349G>A, p.Glu117Lys (NM_001282394.3); short protein forms E117K.
Identifiers: ClinVar variation 2510590 (VCV002510590.3), dbSNP rs960249386, ClinGen allele CA196406382.